The following is an entry in ClinVar:

NM_001252102.2(KIF21B):c.3994A>T (p.Met1332Leu)

Genes: KIF21B (kinesin family member 21B; minus strand), LOC129932203 (ATAC-STARR-seq lymphoblastoid active region 2305; plus strand). Cytogenetic location: 1q32.1.
Variant type: single nucleotide variant.
Coding change: c.3994A>T on transcript NM_001252102.2 (MANE Select); coding-DNA position 3994, A replaced by T.
Protein change: p.Met1332Leu; replaces methionine 1332 with leucine.
Molecular consequence: missense variant.
Genome position (GRCh38, 1-based): chr1:200,979,701, T>A on the plus strand (A>T on the coding strand, the complement: KIF21B is on the minus strand). VCF-style: chr1-200979701-T-A. GRCh37 (hg19) VCF-style: chr1-200948829-T-A.
Other names: c.3994A>T, p.Met1332Leu (NM_001252100.2); c.3955A>T, p.Met1319Leu (NM_001252103.2, NM_017596.4); short protein forms M1319L, M1332L.
Identifiers: ClinVar variation 3253410 (VCV003253410.1), dbSNP rs1247555499.
Genomic context (GRCh38, chr1:200,979,701, plus strand): 5'-CCACGTTGTTGGGGTGGCCCTTTAGAGCTGCGATCTCCTGTCCCGTAACCAAGTTCCACA[T>A]CTTGCAGCTTCGGTCTGTGAGAGATGGGAGGAAGCCACAGGGAGGGGAGGGATGTCAGCC-3'
Protein context (NP_001239031.1, residues 1322-1342): FTGSKDRSCK[Met1332Leu]WNLVTGQEIA

ClinVar aggregate classification (germline): Uncertain significance (1 of 4 stars; one submission).

Submission:

GeneDx
Classification: Uncertain significance. Last evaluated: 2023-12-11. Review status: criteria provided, single submitter. Criteria: GeneDx Variant Classification Process June 2021. Collection method: clinical testing. Allele origin: germline. Affected: yes.
Comment: In silico analysis supports that this missense variant does not alter protein structure/function; Has not been previously published as pathogenic or benign to our knowledge